The following is an entry in ClinVar:

NM_001447.3(FAT2):c.11249C>T (p.Thr3750Met)

Genes: FAT2 (FAT atypical cadherin 2; minus strand), SLC36A1 (solute carrier family 36 member 1; plus strand). Cytogenetic location: 5q33.1.
Variant type: single nucleotide variant.
Coding change: c.11249C>T on transcript NM_001447.3 (MANE Select); coding-DNA position 11249, C replaced by T.
Protein change: p.Thr3750Met; replaces threonine 3750 with methionine.
Molecular consequence: missense variant.
Genome position (GRCh38, 1-based): chr5:151,521,344, G>A on the plus strand (C>T on the coding strand, the complement: FAT2 is on the minus strand). VCF-style: chr5-151521344-G-A. GRCh37 (hg19) VCF-style: chr5-150900905-G-A.
Other names: short protein forms T3750M.
Identifiers: ClinVar variation 3093096 (VCV003093096.4), dbSNP rs372405844, ClinGen allele CA3520067.

ClinVar aggregate classification (germline): Uncertain significance. Review status: criteria provided, multiple submitters, no conflicts (2 of 4 stars). 2 submissions from 2 submitters: Uncertain significance (2). Last evaluated 2025-10-21.

Allele frequency attached by ClinVar (database versions not stated): ExAC 0.00007; ESP Exome Variant Server 0.00008.
gnomAD v4.1: 77 of 1,614,072 alleles (0.0048%); highest among the groups gnomAD compares: East Asian, 0.036%; no homozygotes.

Submissions (2):

Ambry Genetics
Classification: Uncertain significance. Last evaluated: 2025-10-21. Review status: criteria provided, single submitter. Criteria: Ambry Variant Classification Scheme 2023. Collection method: clinical testing. Allele origin: germline.

Labcorp Genetics (formerly Invitae), Labcorp
Classification: Uncertain significance. Last evaluated: 2024-06-06. Review status: criteria provided, single submitter. Criteria: Invitae Variant Classification Sherloc (09022015). Collection method: clinical testing. Allele origin: germline.
Comment: This sequence change replaces threonine, which is neutral and polar, with methionine, which is neutral and non-polar, at codon 3750 of the FAT2 protein (p.Thr3750Met). This variant is present in population databases (rs372405844, gnomAD 0.01%). This variant has not been reported in the literature in individuals affected with FAT2-related conditions. Advanced modeling of protein sequence and biophysical properties (such as structural, functional, and spatial information, amino acid conservation, physicochemical variation, residue mobility, and thermodynamic stability) has been performed at Invitae for this missense variant, however the output from this modeling did not meet the statistical confidence thresholds required to predict the impact of this variant on FAT2 protein function. In summary, the available evidence is currently insufficient to determine the role of this variant in disease. Therefore, it has been classified as a Variant of Uncertain Significance.